The following is an entry in ClinVar:

ClinVar aggregate classification (germline): Uncertain significance (1 of 4 stars; one submission).

gnomAD v4.1: 2 of 1,596,884 alleles (0.00013%); highest among the groups gnomAD compares: Non-Finnish European, 0.00017%; no homozygotes.

Submission:

GeneDx
Classification: Uncertain significance. Last evaluated: 2022-01-21. Review status: criteria provided, single submitter. Criteria: GeneDx Variant Classification Process June 2021. Collection method: clinical testing. Allele origin: germline. Affected: yes.
Comment: Not observed at significant frequency in large population cohorts (gnomAD); In silico analysis supports that this missense variant has a deleterious effect on protein structure/function; Has not been previously published as pathogenic or benign to our knowledge; Variants in candidate genes are classified as variants of uncertain significance in accordance with ACMG guidelines (Richards et al., 2015)

NM_012301.4(MAGI2):c.2616C>G (p.Asn872Lys)

Gene: MAGI2 (membrane associated guanylate kinase, WW and PDZ domain containing 2; minus strand). Cytogenetic location: 7q21.11.
Variant type: single nucleotide variant.
Coding change: c.2616C>G on transcript NM_012301.4 (MANE Select); coding-DNA position 2616, C replaced by G.
Protein change: p.Asn872Lys; replaces asparagine 872 with lysine.
Molecular consequence: missense variant.
Genome position (GRCh38, 1-based): chr7:78,160,254, G>C on the plus strand (C>G on the coding strand, the complement: MAGI2 is on the minus strand). VCF-style: chr7-78160254-G-C. GRCh37 (hg19) VCF-style: chr7-77789571-G-C.
Other names: c.2574C>G, p.Asn858Lys (NM_001301128.2); short protein forms N858K, N872K.
Identifiers: ClinVar variation 1698046 (VCV001698046.2), dbSNP rs148005928, ClinGen allele CA367851339.